The following is an entry in ClinVar:

NM_000143.4(FH):c.1259C>T (p.Ala420Val)

Gene: FH (fumarate hydratase; minus strand). Cytogenetic location: 1q43.
Variant type: single nucleotide variant.
Coding change: c.1259C>T on transcript NM_000143.4 (MANE Select); coding-DNA position 1259, C replaced by T.
Protein change: p.Ala420Val; replaces alanine 420 with valine.
Molecular consequence: missense variant.
Genome position (GRCh38, 1-based): chr1:241,500,568, G>A on the plus strand (C>T on the coding strand, the complement: FH is on the minus strand). VCF-style: chr1-241500568-G-A. GRCh37 (hg19) VCF-style: chr1-241663868-G-A.
Other names: c.1259C>T (NM_000143.3); short protein forms A420V.
Identifiers: ClinVar variation 1007873 (VCV001007873.16), dbSNP rs766377516, ClinGen allele CA1478486.

ClinVar aggregate classification (germline): Uncertain significance. Review status: criteria provided, multiple submitters, no conflicts (2 of 4 stars). 4 submissions from 4 submitters: Uncertain significance (3). 1 of the submissions does not count toward it. Last evaluated 2025-10-27.

Conditions:
Hereditary leiomyomatosis and renal cell cancer. Also called: FH tumor predisposition syndrome; LEIOMYOMA, MULTIPLE CUTANEOUS; Multiple cutaneous leiomyomas; MULTIPLE CUTANEOUS AND UTERINE LEIOMYOMATA 1, WITH OR WITHOUT RENAL CELL CARCINOMA; Familial leiomyomatosis; Reed syndrome. Identifiers: Orphanet 523, MedGen C1708350, MONDO:0007888, OMIM 150800, HP:0007437. Disease mechanism: loss of function.
Fumarase deficiency (FMRD). Also called: Fumaric aciduria; Fumarate Hydratase Deficiency. Identifiers: Orphanet 24, MedGen C0342770, MONDO:0011730, OMIM 606812.
Hereditary cancer-predisposing syndrome. Also called: Neoplastic Syndromes, Hereditary; Hereditary Cancer Syndrome; Hereditary neoplastic syndrome; Tumor predisposition. Identifiers: Orphanet 140162, MedGen C0027672, MeSH D009386, MONDO:0015356.

Allele frequency attached by ClinVar (database versions not stated): gnomAD exomes below 0.00001 and 0.00001; ExAC 0.00001; gnomAD 0.00001; TOPMed 0.00001.
gnomAD v4.1: 3 of 1,592,104 alleles (0.00019%); highest among the groups gnomAD compares: Non-Finnish European, 0.00017%; no homozygotes.

Submissions (4):

Labcorp Genetics (formerly Invitae), Labcorp
Classification: Uncertain significance. Last evaluated: 2025-10-27. Review status: criteria provided, single submitter. Criteria: Invitae Variant Classification Sherloc (09022015). Collection method: clinical testing. Allele origin: germline.
Comment: This sequence change replaces alanine, which is neutral and non-polar, with valine, which is neutral and non-polar, at codon 420 of the FH protein (p.Ala420Val). The frequency data for this variant in the population databases is considered unreliable, as metrics indicate poor data quality at this position in the gnomAD database. This variant has not been reported in the literature in individuals affected with FH-related conditions. ClinVar contains an entry for this variant (Variation ID: 1007873). Invitae Evidence Modeling of protein sequence and biophysical properties (such as structural, functional, and spatial information, amino acid conservation, physicochemical variation, residue mobility, and thermodynamic stability) indicates that this missense variant is not expected to disrupt FH protein function with a negative predictive value of 95%. In summary, the available evidence is currently insufficient to determine the role of this variant in disease. Therefore, it has been classified as a Variant of Uncertain Significance.

Ambry Genetics
Classification: Uncertain significance for Hereditary cancer-predisposing syndrome. Last evaluated: 2025-05-29. Review status: criteria provided, single submitter. Criteria: Ambry Variant Classification Scheme 2023. Collection method: clinical testing. Allele origin: germline.
Comment: The p.A420V variant (also known as c.1259C>T), located in coding exon 9 of the FH gene, results from a C to T substitution at nucleotide position 1259. The alanine at codon 420 is replaced by valine, an amino acid with similar properties. This variant was detected as heterozygous in individuals with no reported features of hereditary leiomyomatosis and renal cell cancer (Ambry internal data). This amino acid position is highly conserved in available vertebrate species. In addition, the in silico prediction for this alteration is inconclusive. Based on the available evidence, the clinical significance of this variant remains unclear.

Fulgent Genetics
Classification: Uncertain significance for Hereditary leiomyomatosis and renal cell cancer; Fumarase deficiency. Last evaluated: 2021-08-04. Review status: criteria provided, single submitter. Criteria: ACMG Guidelines, 2015. Collection method: clinical testing. Allele origin: unknown.

Natera, Inc.
Classification: Uncertain significance for Fumarase Deficiency. Last evaluated: 2020-02-21. Review status: no assertion criteria provided. Collection method: clinical testing. Allele origin: germline. Not counted in ClinVar's aggregate classification.